The following is an entry in ClinVar:

ClinVar aggregate classification (germline): Uncertain significance. Review status: criteria provided, multiple submitters, no conflicts (2 of 4 stars). 2 submissions from 2 submitters: Uncertain significance (2). Last evaluated 2024-10-14.

Conditions:
Autosomal recessive nonsyndromic hearing loss 16. Also called: DFNB16 Nonsyndromic Hearing Loss and Deafness; DEAFNESS, AUTOSOMAL RECESSIVE 16. Identifiers: Orphanet 90636, MedGen C1863561, MONDO:0011364, OMIM 603720.

Allele frequency attached by ClinVar (database versions not stated): gnomAD exomes 0.00002.

Submissions (2):

Blueprint Genetics
Classification: Uncertain significance. Last evaluated: 2024-10-14. Review status: criteria provided, single submitter. Criteria: ACMG Guidelines, 2015. Collection method: clinical testing. Allele origin: germline.

Victorian Clinical Genetics Services, Murdoch Childrens Research Institute
Classification: Uncertain significance for Autosomal recessive nonsyndromic hearing loss 16. Last evaluated: 2023-07-17. Review status: criteria provided, single submitter. Criteria: ACMG Guidelines, 2015. Collection method: clinical testing. Allele origin: germline. Inheritance: Autosomal recessive inheritance. Affected: yes.
Comment: Based on the classification scheme VCGS_Germline_v1.3.4, this variant is classified as VUS-3A. Following criteria are met: 0102 - Loss of function is a known mechanism of disease in this gene and is associated with Deafness, autosomal recessive 16 (MIM#603720). (I) 0106 - This gene is associated with autosomal recessive disease. (I) 0200 - Variant is predicted to result in a missense amino acid change from alanine to aspartic acid. (I) 0253 - This variant is hemizygous. (I) 0301 - Variant is absent from gnomAD (v3 filtered out: 4 heterozygotes, 0 homozygotes). (SP) 0309 - Alternative amino acid changes at the same position have been observed in gnomAD (v2 highest count: 1 heterozygote, 0 homozygote). (I) 0501 - Missense variant consistently predicted to be damaging by multiple in silico tools or highly conserved with a major amino acid change. (SP) 0604 - Variant is not located in an established domain, motif, hotspot or informative constraint region. (I) 0705 - No comparable missense variants have previous evidence for pathogenicity. The p.(Ala1687Gly) and p.(Ala1687Thr) variants are both listed in the Deafness Variation Database as VUSs based on in silico predictions, however no clinical information was provided. (I) 0803 - This variant has limited previous evidence of pathogenicity in an unrelated individual. This variant was listed in the Deafness Variation Database as pathogenic. (SP) 0905 - No published segregation evidence has been identified for this variant. (I) 1007 - No published functional evidence has been identified for this variant. (I) 1201 - Heterozygous variant inferred to be in trans with a pathogenic heterozygous deletion in a recessive disease. (I) 1208 - Inheritance information for this variant is not currently available in this individual. (I) Legend: (SP) - Supporting pathogenic, (I) - Information, (SB) - Supporting benign

NM_153700.2(STRC):c.5060C>A (p.Ala1687Asp)

Gene: STRC (stereocilin; minus strand). Cytogenetic location: 15q15.3.
Variant type: single nucleotide variant.
Coding change: c.5060C>A on transcript NM_153700.2 (MANE Select); coding-DNA position 5060, C replaced by A.
Protein change: p.Ala1687Asp; replaces alanine 1687 with aspartic acid.
Molecular consequence: missense variant.
Genome position (GRCh38, 1-based): chr15:43,600,227, G>T on the plus strand (C>A on the coding strand, the complement: STRC is on the minus strand). VCF-style: chr15-43600227-G-T. GRCh37 (hg19) VCF-style: chr15-43892425-G-T.
Other names: short protein forms A1687D.
Identifiers: ClinVar variation 3254742 (VCV003254742.2), dbSNP rs1329044440.